The following is an entry in ClinVar:

NM_003041.4(SLC5A2):c.872G>A (p.Trp291Ter)

Genes: SLC5A2 (solute carrier family 5 member 2; plus strand), LOC130058907 (ATAC-STARR-seq lymphoblastoid silent region 7421; plus strand). Cytogenetic location: 16p11.2.
Variant type: single nucleotide variant.
Coding change: c.872G>A on transcript NM_003041.4 (MANE Select); coding-DNA position 872, G replaced by A.
Protein change: p.Trp291Ter; replaces tryptophan 291 with a stop codon.
Molecular consequence: nonsense. On other transcripts: non-coding transcript variant (1).
Genome position (GRCh38, 1-based): chr16:31,487,746, G>A. VCF-style: chr16-31487746-G-A. GRCh37 (hg19) VCF-style: chr16-31499067-G-A.
Other names: short protein forms W291*.
Identifiers: ClinVar variation 2633899 (VCV002633899.2), dbSNP rs753455828, ClinGen allele CA8030879.
Genomic context (GRCh38, chr16:31,487,746, plus strand): 5'-CCGGGGATCTGCCGTGGCCCGCGCTGCTCCTCGGACTCACAATCGTCTCGGGCTGGTACT[G>A]GTGCAGCGACCAGGTGCGGGTATAGGGCTGCGCCTGCAGTGAGGCCGGGGCGGAGCCGAG-3'

ClinVar aggregate classification (germline): Likely pathogenic (1 of 4 stars; one submission).

Conditions:
SLC5A2-related disorder. Also called: SLC5A2-related condition.

Allele frequency attached by ClinVar (database versions not stated): gnomAD exomes below 0.00001; ExAC 0.00001; gnomAD 0.00001.

Submission:

PreventionGenetics, part of Exact Sciences
Classification: Likely pathogenic for SLC5A2-related condition. Last evaluated: 2025-10-22. Review status: criteria provided, single submitter. Criteria: ACMG Guidelines, 2015. Collection method: clinical testing. Allele origin: germline.
Comment: The SLC5A2 c.872G>A variant is predicted to result in premature protein termination (p.Trp291*). To our knowledge, this variant has not been reported in the literature. This variant is reported in 0.0028% of alleles in individuals of Latino descent in gnomAD. Nonsense variants in SLC5A2 are expected to be pathogenic. This variant is interpreted as likely pathogenic.